The following is an entry in ClinVar:

NM_005235.3(ERBB4):c.2123C>G (p.Ala708Gly)

Gene: ERBB4 (erb-b2 receptor tyrosine kinase 4; minus strand). Cytogenetic location: 2q34.
Variant type: single nucleotide variant.
Coding change: c.2123C>G on transcript NM_005235.3 (MANE Select); coding-DNA position 2123, C replaced by G.
Protein change: p.Ala708Gly; replaces alanine 708 with glycine.
Molecular consequence: missense variant.
Genome position (GRCh38, 1-based): chr2:211,624,001, G>C on the plus strand (C>G on the coding strand, the complement: ERBB4 is on the minus strand). VCF-style: chr2-211624001-G-C. GRCh37 (hg19) VCF-style: chr2-212488726-G-C.
Other names: c.2123C>G, p.Ala708Gly (NM_001042599.2); short protein forms A708G.
Identifiers: ClinVar variation 3660559 (VCV003660559.2).

ClinVar aggregate classification (germline): Uncertain significance (1 of 4 stars; one submission).

Submission:

Labcorp Genetics (formerly Invitae), Labcorp
Classification: Uncertain significance. Last evaluated: 2024-07-24. Review status: criteria provided, single submitter. Criteria: Invitae Variant Classification Sherloc (09022015). Collection method: clinical testing. Allele origin: germline.
Comment: This sequence change replaces alanine, which is neutral and non-polar, with glycine, which is neutral and non-polar, at codon 708 of the ERBB4 protein (p.Ala708Gly). This variant is not present in population databases (gnomAD no frequency). This variant has not been reported in the literature in individuals affected with ERBB4-related conditions. Advanced modeling of protein sequence and biophysical properties (such as structural, functional, and spatial information, amino acid conservation, physicochemical variation, residue mobility, and thermodynamic stability) performed at Invitae indicates that this missense variant is expected to disrupt ERBB4 protein function with a positive predictive value of 80%. In summary, the available evidence is currently insufficient to determine the role of this variant in disease. Therefore, it has been classified as a Variant of Uncertain Significance.